The following is an entry in ClinVar:

ClinVar aggregate classification (germline): Uncertain significance (1 of 4 stars; one submission).

Allele frequency attached by ClinVar (database versions not stated): gnomAD exomes below 0.00001.
gnomAD v4.1: 1 of 1,614,108 alleles (0.000062%); highest among the groups gnomAD compares: Admixed American, 0.0017%; no homozygotes.

Submission:

Labcorp Genetics (formerly Invitae), Labcorp
Classification: Uncertain significance. Last evaluated: 2023-04-25. Review status: criteria provided, single submitter. Criteria: Invitae Variant Classification Sherloc (09022015). Collection method: clinical testing. Allele origin: germline.
Comment: In summary, the available evidence is currently insufficient to determine the role of this variant in disease. Therefore, it has been classified as a Variant of Uncertain Significance. Advanced modeling of protein sequence and biophysical properties (such as structural, functional, and spatial information, amino acid conservation, physicochemical variation, residue mobility, and thermodynamic stability) performed at Invitae indicates that this missense variant is not expected to disrupt KL protein function. This variant has not been reported in the literature in individuals affected with KL-related conditions. This variant is not present in population databases (gnomAD no frequency). This sequence change replaces leucine, which is neutral and non-polar, with phenylalanine, which is neutral and non-polar, at codon 866 of the KL protein (p.Leu866Phe).

NM_004795.4(KL):c.2596C>T (p.Leu866Phe)

Gene: KL (klotho; plus strand). Cytogenetic location: 13q13.1.
Variant type: single nucleotide variant.
Coding change: c.2596C>T on transcript NM_004795.4 (MANE Select); coding-DNA position 2596, C replaced by T.
Protein change: p.Leu866Phe; replaces leucine 866 with phenylalanine.
Molecular consequence: missense variant.
Genome position (GRCh38, 1-based): chr13:33,061,675, C>T. VCF-style: chr13-33061675-C-T. GRCh37 (hg19) VCF-style: chr13-33635812-C-T.
Other names: short protein forms L866F.
Identifiers: ClinVar variation 2835130 (VCV002835130.3), dbSNP rs2501792946, ClinGen allele CA387798045.